The following is an entry in ClinVar:

ClinVar aggregate classification (germline): Likely benign (0 of 4 stars; one submission).

Conditions:
TSPYL1-related disorder. Also called: TSPYL1-related condition.

Submission:

PreventionGenetics, part of Exact Sciences
Classification: Likely benign for TSPYL1-related condition. Last evaluated: 2019-07-12. Review status: no assertion criteria provided. Collection method: clinical testing. Allele origin: germline.
Comment: This variant is classified as likely benign based on ACMG/AMP sequence variant interpretation guidelines (Richards et al. 2015 PMID: 25741868, with internal and published modifications).

NM_003309.4(TSPYL1):c.1083T>C (p.His361=)

Genes: DSE (dermatan sulfate epimerase; plus strand), TSPYL1 (TSPY like 1; minus strand). Cytogenetic location: 6q22.1.
Variant type: single nucleotide variant.
Coding change: c.1083T>C on transcript NM_003309.4 (MANE Select); coding-DNA position 1083, T replaced by C.
Protein change: p.His361=; no amino-acid change (histidine 361 retained).
Molecular consequence: synonymous variant. On other transcripts: intron variant (6).
Genome position (GRCh38, 1-based): chr6:116,278,748, A>G on the plus strand (T>C on the coding strand, the complement: TSPYL1 is on the minus strand). VCF-style: chr6-116278748-A-G. GRCh37 (hg19) VCF-style: chr6-116599911-A-G.
Other names: c.-954+19781A>G (NM_001374520.1); c.-54+19781A>G (NM_001322937.2, NM_001322938.2, NM_001374522.1); c.-641+19781A>G (NM_001374521.1); c.-611+19781A>G (NM_001322940.2).
Identifiers: ClinVar variation 3050285 (VCV003050285.2), dbSNP rs2534373570, ClinGen allele CA451909416.
Genomic context (GRCh38, chr6:116,278,748, plus strand): 5'-AAACCAAGTGAAGAAGCTGCAGATGAGGTCTTGGTTTCTGCGAATGAAGGACTGGGGTTC[A>G]TGCCCCCTGCGCCATATAATTGGAGTAGAAAGAGACACCACTCGGCCGGAGGATCTTACC-3'
Protein context (NP_003300.1, residues 351-371): LSTPIIWRRG[His361=]EPQSFIRRNQ